The following is an entry in ClinVar:

ClinVar aggregate classification (germline): Uncertain significance (1 of 4 stars; one submission).

Conditions:
Autosomal dominant nonsyndromic hearing loss 1. Also called: DEAFNESS, AUTOSOMAL DOMINANT 1, WITH OR WITHOUT THROMBOCYTOPENIA; KONIGSMARK SYNDROME. Identifiers: Orphanet 90635, MedGen C1852282, MONDO:0007424, OMIM 124900.
Progressive microcephaly-seizures-cortical blindness-developmental delay syndrome. Also called: Seizures, cortical blindness, and microcephaly syndrome. Identifiers: Orphanet 477814, MedGen C5567650, MONDO:0014714, OMIM 616632.

Submission:

Labcorp Genetics (formerly Invitae), Labcorp
Classification: Uncertain significance for Progressive microcephaly-seizures-cortical blindness-developmental delay syndrome; Autosomal dominant nonsyndromic hearing loss 1. Last evaluated: 2025-05-14. Review status: criteria provided, single submitter. Criteria: Invitae Variant Classification Sherloc (09022015). Collection method: clinical testing. Allele origin: germline.
Comment: This sequence change replaces asparagine, which is neutral and polar, with lysine, which is basic and polar, at codon 993 of the DIAPH1 protein (p.Asn993Lys). This variant is not present in population databases (gnomAD no frequency). This variant has not been reported in the literature in individuals affected with DIAPH1-related conditions. An algorithm developed to predict the effect of missense changes on protein structure and function (PolyPhen-2) suggests that this variant is likely to be disruptive. In summary, the available evidence is currently insufficient to determine the role of this variant in disease. Therefore, it has been classified as a Variant of Uncertain Significance.

NM_005219.5(DIAPH1):c.2979T>G (p.Asn993Lys)

Gene: DIAPH1 (diaphanous related formin 1; minus strand). Cytogenetic location: 5q31.3.
Variant type: single nucleotide variant.
Coding change: c.2979T>G on transcript NM_005219.5 (MANE Select); coding-DNA position 2979, T replaced by G.
Protein change: p.Asn993Lys; replaces asparagine 993 with lysine.
Molecular consequence: missense variant.
Genome position (GRCh38, 1-based): chr5:141,528,741, A>C on the plus strand (T>G on the coding strand, the complement: DIAPH1 is on the minus strand). VCF-style: chr5-141528741-A-C. GRCh37 (hg19) VCF-style: chr5-140908308-A-C.
Other names: c.2952T>G, p.Asn984Lys (NM_001079812.3); c.2979T>G, p.Asn993Lys (NM_001314007.2); short protein forms N984K, N993K.
Identifiers: ClinVar variation 4793426 (VCV004793426.1).